The following is an entry in ClinVar:

NM_015311.3(OBSL1):c.537C>T (p.Leu179=)

Gene: OBSL1 (obscurin like cytoskeletal adaptor 1; minus strand). Cytogenetic location: 2q35.
Variant type: single nucleotide variant.
Coding change: c.537C>T on transcript NM_015311.3 (MANE Select); coding-DNA position 537, C replaced by T.
Protein change: p.Leu179=; no amino-acid change (leucine 179 retained).
Molecular consequence: synonymous variant.
Genome position (GRCh38, 1-based): chr2:219,570,696, G>A on the plus strand (C>T on the coding strand, the complement: OBSL1 is on the minus strand). VCF-style: chr2-219570696-G-A. GRCh37 (hg19) VCF-style: chr2-220435418-G-A.
Other names: c.537C>T, p.Leu179= (NM_001173408.2, NM_001173431.2).
Identifiers: ClinVar variation 2651935 (VCV002651935.24), dbSNP rs1007512209, ClinGen allele CA66039003.

ClinVar aggregate classification (germline): Likely benign (1 of 4 stars; one submission).

Allele frequency attached by ClinVar (database versions not stated): gnomAD exomes below 0.00001; gnomAD 0.00001; TOPMed 0.00002.
gnomAD v4.1: 4 of 1,509,710 alleles (0.00026%); highest among the groups gnomAD compares: African/African-American, 0.0029%; no homozygotes.

Submission:

CeGaT Center for Human Genetics Tuebingen
Classification: Likely benign. Last evaluated: 2022-10-01. Review status: criteria provided, single submitter. Criteria: CeGaT Center For Human Genetics Tuebingen Variant Classification Criteria Version 2. Collection method: clinical testing. Allele origin: germline. Affected: yes. Observed: 1 variant allele.
Comment: OBSL1: BP4, BP7